The following is an entry in ClinVar:

NM_003681.5(PDXK):c.639C>T (p.Ser213=)

Gene: PDXK (pyridoxal kinase; plus strand). Cytogenetic location: 21q22.3.
Variant type: single nucleotide variant.
Coding change: c.639C>T on transcript NM_003681.5 (MANE Select); coding-DNA position 639, C replaced by T.
Protein change: p.Ser213=; no amino-acid change (serine 213 retained).
Molecular consequence: synonymous variant.
Genome position (GRCh38, 1-based): chr21:43,753,599, C>T. VCF-style: chr21-43753599-C-T. GRCh37 (hg19) VCF-style: chr21-45173480-C-T.
Other names: c.519C>T, p.Ser173= (NM_001331030.2).
Identifiers: ClinVar variation 1246998 (VCV001246998.5), dbSNP rs8127335, ClinGen allele CA10048702.

ClinVar aggregate classification (germline): Benign. Review status: criteria provided, multiple submitters, no conflicts (2 of 4 stars). 3 submissions from 3 submitters: Benign (2). 1 of the submissions does not count toward it. Last evaluated 2021-05-04.

Conditions:
PDXK-related disorder. Also called: PDXK-related condition.

Allele frequency attached by ClinVar (database versions not stated): gnomAD exomes 0.00356 and 0.00969; ExAC 0.01201; gnomAD 0.03524 and 0.03803; 1000 Genomes Project 0.03674; TOPMed 0.03947; ESP Exome Variant Server 0.04244.
gnomAD v4.1: 10,783 of 1,612,648 alleles (0.67%); highest among the groups gnomAD compares: African/African-American, 12%; 575 homozygotes.

Submissions (3):

GeneDx
Classification: Benign. Last evaluated: 2021-05-04. Review status: criteria provided, single submitter. Criteria: GeneDx Variant Classification Process June 2021. Collection method: clinical testing. Allele origin: germline. Affected: yes.

Breakthrough Genomics
Classification: Benign. Review status: criteria provided, single submitter. Criteria: ACMG Guidelines, 2015. Collection method: not provided. Allele origin: germline. Inheritance: Autosomal recessive inheritance. Affected: yes.

PreventionGenetics, part of Exact Sciences
Classification: Benign for PDXK-related condition. Last evaluated: 2019-11-12. Review status: no assertion criteria provided. Collection method: clinical testing. Allele origin: germline. Not counted in ClinVar's aggregate classification.
Comment: This variant is classified as benign based on ACMG/AMP sequence variant interpretation guidelines (Richards et al. 2015 PMID: 25741868, with internal and published modifications).